The following is an entry in ClinVar:

ClinVar aggregate classification (germline): Uncertain significance (1 of 4 stars; one submission).

Conditions:
Hereditary hyperferritinemia with congenital cataracts. Also called: Hereditary hyperferritinemia cataract syndrome; Bonneau-Beaumont syndrome; HYPERFERRITINEMIA WITH OR WITHOUT CATARACT. Identifiers: Orphanet 163, MedGen C1833213, MONDO:0010952, OMIM 600886.
Neuroferritinopathy (NBIA3). Also called: NEURODEGENERATION WITH BRAIN IRON ACCUMULATION 3; BASAL GANGLIA DISEASE, ADULT-ONSET. Identifiers: Orphanet 157846, MedGen C1853578, MONDO:0011638, OMIM 606159.

Submission:

Labcorp Genetics (formerly Invitae), Labcorp
Classification: Uncertain significance for Neuroferritinopathy; Hereditary hyperferritinemia with congenital cataracts. Last evaluated: 2023-05-03. Review status: criteria provided, single submitter. Criteria: Invitae Variant Classification Sherloc (09022015). Collection method: clinical testing. Allele origin: germline.
Comment: This variant occurs in a non-coding region of the FTL gene. It does not change the encoded amino acid sequence of the FTL protein. This variant is not present in population databases (gnomAD no frequency). This variant has not been reported in the literature in individuals affected with FTL-related conditions. Experimental studies and prediction algorithms are not available or were not evaluated, and the functional significance of this variant is currently unknown. In summary, the available evidence is currently insufficient to determine the role of this variant in disease. Therefore, it has been classified as a Variant of Uncertain Significance.

NC_000019.10:g.48965270G>C

Genes: FTL (ferritin light chain; plus strand), LOC130064891 (ATAC-STARR-seq lymphoblastoid silent region 10909; plus strand). Cytogenetic location: 19q13.33.
Variant type: single nucleotide variant.
Genome position: GRCh38 VCF-style: chr19-48965270-G-C. GRCh37 (hg19) VCF-style: chr19-49468527-G-C.
Identifiers: ClinVar variation 2939826 (VCV002939826.3), dbSNP rs2122429219, ClinGen allele CA2740096955.